The following is an entry in ClinVar:

NM_213649.2(SFXN4):c.930del (p.Ile310fs)

Gene: SFXN4 (sideroflexin 4; minus strand). Cytogenetic location: 10q26.11.
Variant type: Deletion.
Coding change: c.930del on transcript NM_213649.2 (MANE Select); coding-DNA position 930, one base deleted (T; older notation c.930delT).
Protein change: p.Ile310fs; shifts the reading frame from isoleucine 310.
Molecular consequence: frameshift variant. On other transcripts: non-coding transcript variant (1).
Genome position (GRCh38, 1-based): chr10:119,146,242, A deleted on the plus strand (T on the coding strand, the reverse complement: SFXN4 is on the minus strand); the first of 2 consecutive A bases (chr10:119,146,242-119,146,243); deleting either gives the same sequence. VCF-style (leftmost placement, unchanged base first): chr10-119146241-CA-C. GRCh37 (hg19) VCF-style: chr10-120905753-CA-C.
Other names: c.930delT (NM_213649.2); short protein forms I310fs.
Identifiers: ClinVar variation 689787 (VCV000689787.4), dbSNP rs1589625048, ClinGen allele CA915948752.

ClinVar aggregate classification (germline): Pathogenic/Likely pathogenic. Review status: criteria provided, multiple submitters, no conflicts (2 of 4 stars). 3 submissions from 3 submitters: Pathogenic (1); Likely pathogenic (2). Last evaluated 2024-11-25.

Conditions:
Growth and developmental delay-hypotonia-vision impairment-lactic acidosis syndrome. Also called: Combined oxidative phosphorylation deficiency 18. Identifiers: Orphanet 391348, MedGen C3810001, MONDO:0014261, OMIM 615578.

Submissions (3):

GeneDx
Classification: Likely pathogenic. Last evaluated: 2024-11-25. Review status: criteria provided, single submitter. Criteria: GeneDx Variant Classification Process June 2021. Collection method: clinical testing. Allele origin: germline.
Comment: Identified as homozygous in an individual in a study of reanalysis of clinical exome sequencing data. Clinical information on the individual was not provided (PMID: 31216405); Not observed at significant frequency in large population cohorts (gnomAD); Frameshift variant predicted to result in abnormal protein length as the last 28 amino acid(s) are replaced with 32 different amino acid(s), and other similar variants have been reported in HGMD; This variant is associated with the following publications: (PMID: 31216405)

Daryl Scott Lab, Baylor College of Medicine
Classification: Likely pathogenic for Growth and developmental delay-hypotonia-vision impairment-lactic acidosis syndrome. Last evaluated: 2024-04-01. Review status: criteria provided, single submitter. Criteria: ACMG Guidelines, 2015. Collection method: clinical testing. Allele origin: biparental. Observed: 1 homozygote.
Comment: PVS1_supporting, PM2

Baylor Genetics
Classification: Pathogenic for Growth and developmental delay-hypotonia-vision impairment-lactic acidosis syndrome. Last evaluated: 2017-12-31. Review status: criteria provided, single submitter. Criteria: ACMG Guidelines, 2015. Collection method: clinical testing. Allele origin: germline. Affected: yes.